The following is an entry in ClinVar:

NM_004946.3(DOCK2):c.2545A>G (p.Lys849Glu)

Gene: DOCK2 (dedicator of cytokinesis 2; plus strand). Cytogenetic location: 5q35.1.
Variant type: single nucleotide variant.
Coding change: c.2545A>G on transcript NM_004946.3 (MANE Select); coding-DNA position 2545, A replaced by G.
Protein change: p.Lys849Glu; replaces lysine 849 with glutamic acid.
Molecular consequence: missense variant. On other transcripts: non-coding transcript variant (1).
Genome position (GRCh38, 1-based): chr5:169,761,616, A>G. VCF-style: chr5-169761616-A-G. GRCh37 (hg19) VCF-style: chr5-169188620-A-G.
Other names: c.2545A>G (NM_004946.2); short protein forms K849E.
Identifiers: ClinVar variation 1024956 (VCV001024956.5), dbSNP rs773584607, ClinGen allele CA362198171.

ClinVar aggregate classification (germline): Uncertain significance. Review status: criteria provided, multiple submitters, no conflicts (2 of 4 stars). 2 submissions from 2 submitters: Uncertain significance (2). Last evaluated 2023-06-23.

Conditions:
DOCK2 deficiency. Also called: Immunodeficiency 40. Identifiers: Orphanet 447737, MedGen C4225328, MONDO:0014637, OMIM 616433.
Inborn genetic diseases. Identifiers: MedGen C0950123, MeSH D030342.

Allele frequency attached by ClinVar (database versions not stated): gnomAD 0.00001; gnomAD exomes 0.00001; TOPMed 0.00001.
gnomAD v4.1: 26 of 1,613,756 alleles (0.0016%); highest among the groups gnomAD compares: African/African-American, 0.0027%; no homozygotes.

Submissions (2):

Ambry Genetics
Classification: Uncertain significance for Inborn genetic diseases. Last evaluated: 2023-06-23. Review status: criteria provided, single submitter. Criteria: Ambry Variant Classification Scheme 2023. Collection method: clinical testing. Allele origin: germline.

Labcorp Genetics (formerly Invitae), Labcorp
Classification: Uncertain significance for DOCK2 deficiency. Last evaluated: 2022-09-27. Review status: criteria provided, single submitter. Criteria: Invitae Variant Classification Sherloc (09022015). Collection method: clinical testing. Allele origin: germline.
Comment: This sequence change replaces lysine, which is basic and polar, with glutamic acid, which is acidic and polar, at codon 849 of the DOCK2 protein (p.Lys849Glu). This variant is present in population databases (no rsID available, gnomAD 0.002%). This variant has not been reported in the literature in individuals affected with DOCK2-related conditions. ClinVar contains an entry for this variant (Variation ID: 1024956). Algorithms developed to predict the effect of missense changes on protein structure and function (SIFT, PolyPhen-2, Align-GVGD) all suggest that this variant is likely to be tolerated. In summary, the available evidence is currently insufficient to determine the role of this variant in disease. Therefore, it has been classified as a Variant of Uncertain Significance.